The following is an entry in ClinVar:

ClinVar aggregate classification (germline): Uncertain significance. Review status: criteria provided, multiple submitters, no conflicts (2 of 4 stars). 2 submissions from 2 submitters: Uncertain significance (2). Last evaluated 2025-10-28.

Conditions:
Nephronophthisis. Also called: Juvenile Nephronophthisis. Identifiers: Orphanet 655, MedGen C0687120, MONDO:0019005, HP:0000090.
Inborn genetic diseases. Identifiers: MedGen C0950123, MeSH D030342.

Allele frequency attached by ClinVar (database versions not stated): gnomAD exomes below 0.00001 and 0.00001; gnomAD 0.00001; TOPMed 0.00001.
gnomAD v4.1: 8 of 1,605,602 alleles (0.0005%); highest among the groups gnomAD compares: Admixed American, 0.0034%; no homozygotes.

Submissions (2):

Labcorp Genetics (formerly Invitae), Labcorp
Classification: Uncertain significance for Nephronophthisis. Last evaluated: 2025-10-28. Review status: criteria provided, single submitter. Criteria: Invitae Variant Classification Sherloc (09022015). Collection method: clinical testing. Allele origin: germline.
Comment: This sequence change replaces isoleucine, which is neutral and non-polar, with valine, which is neutral and non-polar, at codon 1212 of the NPHP4 protein (p.Ile1212Val). The frequency data for this variant in the population databases is considered unreliable, as metrics indicate poor data quality at this position in the gnomAD database. This variant has not been reported in the literature in individuals affected with NPHP4-related conditions. ClinVar contains an entry for this variant (Variation ID: 1489639). Invitae Evidence Modeling of protein sequence and biophysical properties (such as structural, functional, and spatial information, amino acid conservation, physicochemical variation, residue mobility, and thermodynamic stability) indicates that this missense variant is not expected to disrupt NPHP4 protein function with a negative predictive value of 80%. In summary, the available evidence is currently insufficient to determine the role of this variant in disease. Therefore, it has been classified as a Variant of Uncertain Significance.

Ambry Genetics
Classification: Uncertain significance for Inborn genetic diseases. Last evaluated: 2025-10-01. Review status: criteria provided, single submitter. Criteria: Ambry Variant Classification Scheme 2023. Collection method: clinical testing. Allele origin: germline.

NM_015102.5(NPHP4):c.3634A>G (p.Ile1212Val)

Gene: NPHP4 (nephrocystin 4; minus strand). Cytogenetic location: 1p36.31.
Variant type: single nucleotide variant.
Coding change: c.3634A>G on transcript NM_015102.5 (MANE Select); coding-DNA position 3634, A replaced by G.
Protein change: p.Ile1212Val; replaces isoleucine 1212 with valine.
Molecular consequence: missense variant. On other transcripts: non-coding transcript variant (1).
Genome position (GRCh38, 1-based): chr1:5,866,383, T>C on the plus strand (A>G on the coding strand, the complement: NPHP4 is on the minus strand). VCF-style: chr1-5866383-T-C. GRCh37 (hg19) VCF-style: chr1-5926443-T-C.
Other names: c.2095A>G, p.Ile699Val (NM_001291593.2); c.2098A>G, p.Ile700Val (NM_001291594.2); c.3634A>G (NM_015102.3); short protein forms I1212V, I700V, I699V.
Identifiers: ClinVar variation 1489639 (VCV001489639.9), dbSNP rs960080480, ClinGen allele CA17129856.